The following is an entry in ClinVar:

NM_000214.3(JAG1):c.820G>C (p.Gly274Arg)

Gene: JAG1 (jagged canonical Notch ligand 1; minus strand). Cytogenetic location: 20p12.2.
Variant type: single nucleotide variant.
Coding change: c.820G>C on transcript NM_000214.3 (MANE Select); coding-DNA position 820, G replaced by C.
Protein change: p.Gly274Arg; replaces glycine 274 with arginine.
Molecular consequence: missense variant.
Genome position (GRCh38, 1-based): chr20:10,652,534, C>G on the plus strand (G>C on the coding strand, the complement: JAG1 is on the minus strand). VCF-style: chr20-10652534-C-G. GRCh37 (hg19) VCF-style: chr20-10633182-C-G.
Other names: short protein forms G274R.
Identifiers: ClinVar variation 3573114 (VCV003573114.2).

Conditions:
Arteriohepatic dysplasia. Also called: Alagille Syndrome. Identifiers: Orphanet 52, MedGen C0085280, MeSH D016738, MONDO:0007318.

Submission:

Gilbert/Spinner Lab, Children's Hospital of Philadelphia
No classification provided (evidence only). Condition: Alagille syndrome. Review status: no classification provided. Collection method: research. Allele origin: not applicable. Functional consequence: functionally_abnormal.
ClinVar note: "not provided" was previously submitted as the classification for the variant. However, the classification appeared to be based only on an observation of functional data so it was converted to no classification on 2025-07-30.